The following is an entry in ClinVar:

ClinVar aggregate classification (germline): Uncertain significance. Review status: criteria provided, multiple submitters, no conflicts (2 of 4 stars). 7 submissions from 7 submitters: Uncertain significance (7). Last evaluated 2026-07-07.

Conditions:
Age related macular degeneration 13. Identifiers: MedGen C3809523, MONDO:0014189, OMIM 615439.
Factor I deficiency (CFID). Also called: Complement factor I deficiency. Identifiers: Orphanet 200418, MedGen C3463916, MONDO:0012594, OMIM 610984.
Atypical hemolytic-uremic syndrome with I factor anomaly. Also called: HEMOLYTIC UREMIC SYNDROME, ATYPICAL, SUSCEPTIBILITY TO, 3; AHUS, SUSCEPTIBILITY TO, 3. Identifiers: Orphanet 2134, MedGen C2752039, MONDO:0013041, OMIM 612923.
CFI-related disorder. Also called: CFI-related condition; CFI-related disorders. Identifiers: MedGen CN239325.
Atypical hemolytic-uremic syndrome. Identifiers: Orphanet 2134, MedGen C2931788, MONDO:0016244.

Allele frequency attached by ClinVar (database versions not stated): gnomAD 0.00001; gnomAD exomes 0.00003 and 0.00008; ExAC 0.00012.
gnomAD v4.1: 48 of 1,614,104 alleles (0.003%); highest among the groups gnomAD compares: South Asian, 0.046%; no homozygotes.

Submissions (7):

Medgenome Labs Ltd
Classification: Uncertain significance for Factor I deficiency. Last evaluated: 2026-07-07. Review status: criteria provided, single submitter. Criteria: ACMG Guidelines, 2015. Collection method: clinical testing. Allele origin: germline. Affected: yes.

Genomenon, Inc
Classification: Uncertain significance for CFI-related disorder. Last evaluated: 2025-09-26. Review status: criteria provided, single submitter. Criteria: Genomenon Sequence Variant Interpretation Standards - Updated. Collection method: curation. Allele origin: germline. Affected: no.
Comment: CFI p.Tyr65His (c.193T>C) is a missense variant that changes the amino acid at residue 65 from Tyrosine to Histidine. This variant has been reported in the published literature (PMID:36622444). In conclusion, we classify CFI p.Tyr65His (c.193T>C) as a variant of unknown significance.

Labcorp Genetics (formerly Invitae), Labcorp
Classification: Uncertain significance. Last evaluated: 2025-06-09. Review status: criteria provided, single submitter. Criteria: Invitae Variant Classification Sherloc (09022015). Collection method: clinical testing. Allele origin: germline.
Comment: This sequence change replaces tyrosine, which is neutral and polar, with histidine, which is basic and polar, at codon 65 of the CFI protein (p.Tyr65His). This variant is present in population databases (rs774783110, gnomAD 0.07%). This variant has not been reported in the literature in individuals affected with CFI-related conditions. ClinVar contains an entry for this variant (Variation ID: 1481515). Invitae Evidence Modeling of protein sequence and biophysical properties (such as structural, functional, and spatial information, amino acid conservation, physicochemical variation, residue mobility, and thermodynamic stability) indicates that this missense variant is expected to disrupt CFI protein function with a positive predictive value of 80%. In summary, the available evidence is currently insufficient to determine the role of this variant in disease. Therefore, it has been classified as a Variant of Uncertain Significance.

Blueprint Genetics
Classification: Uncertain significance. Last evaluated: 2024-10-01. Review status: criteria provided, single submitter. Criteria: ACMG Guidelines, 2015. Collection method: clinical testing. Allele origin: germline.

Revvity Omics, Revvity
Classification: Uncertain significance for Factor I deficiency. Last evaluated: 2022-06-01. Review status: criteria provided, single submitter. Criteria: ACMG Guidelines, 2015. Collection method: clinical testing. Allele origin: germline.

Fulgent Genetics
Classification: Uncertain significance for Factor I deficiency; Atypical hemolytic-uremic syndrome with I factor anomaly; Age related macular degeneration 13. Last evaluated: 2022-04-19. Review status: criteria provided, single submitter. Criteria: ACMG Guidelines, 2015. Collection method: clinical testing. Allele origin: unknown.

Genome Diagnostics Laboratory, The Hospital for Sick Children
Classification: Uncertain significance for Atypical hemolytic-uremic syndrome. Last evaluated: 2020-05-01. Review status: criteria provided, single submitter. Criteria: ACMG Guidelines, 2015. Collection method: clinical testing. Allele origin: germline.

Literature cited by the submitters: PubMed 36622444 (cited by Genomenon, Inc).

NM_000204.5(CFI):c.193T>C (p.Tyr65His)

Gene: CFI (complement factor I; minus strand). Cytogenetic location: 4q25.
Variant type: single nucleotide variant.
Coding change: c.193T>C on transcript NM_000204.5 (MANE Select); coding-DNA position 193, T replaced by C.
Protein change: p.Tyr65His; replaces tyrosine 65 with histidine.
Molecular consequence: missense variant. On other transcripts: non-coding transcript variant (3), intron variant (1).
Genome position (GRCh38, 1-based): chr4:109,766,689, A>G on the plus strand (T>C on the coding strand, the complement: CFI is on the minus strand). VCF-style: chr4-109766689-A-G. GRCh37 (hg19) VCF-style: chr4-110687845-A-G.
Other names: c.193T>C, p.Tyr65His (NM_001318057.2, NM_001331035.2, NM_001375278.1 and 5 more transcripts); c.-127-4997T>C (NM_001375284.1); short protein forms Y65H.
Identifiers: ClinVar variation 1481515 (VCV001481515.17), dbSNP rs774783110, ClinGen allele CA3042336.